The following is an entry in ClinVar:

NM_014363.6(SACS):c.13286C>G (p.Ser4429Cys)

Gene: SACS (sacsin molecular chaperone; minus strand). Cytogenetic location: 13q12.12.
Variant type: single nucleotide variant.
Coding change: c.13286C>G on transcript NM_014363.6 (MANE Select); coding-DNA position 13286, C replaced by G.
Protein change: p.Ser4429Cys; replaces serine 4429 with cysteine.
Molecular consequence: missense variant.
Genome position (GRCh38, 1-based): chr13:23,330,590, G>C on the plus strand (C>G on the coding strand, the complement: SACS is on the minus strand). VCF-style: chr13-23330590-G-C. GRCh37 (hg19) VCF-style: chr13-23904729-G-C.
Other names: c.12845C>G, p.Ser4282Cys (NM_001278055.2); short protein forms S4429C, S4282C.
Identifiers: ClinVar variation 1440653 (VCV001440653.6), dbSNP rs765818580, ClinGen allele CA387505589.

ClinVar aggregate classification (germline): Uncertain significance (1 of 4 stars; one submission).

Conditions:
Spastic paraplegia. Identifiers: MedGen C0037772, HP:0001258.

gnomAD v4.1: 1 of 1,614,020 alleles (0.000062%); highest among the groups gnomAD compares: Non-Finnish European, 0.000085%; no homozygotes.

Submission:

Labcorp Genetics (formerly Invitae), Labcorp
Classification: Uncertain significance for Spastic paraplegia. Last evaluated: 2021-10-27. Review status: criteria provided, single submitter. Criteria: Invitae Variant Classification Sherloc (09022015). Collection method: clinical testing. Allele origin: germline.
Comment: In summary, the available evidence is currently insufficient to determine the role of this variant in disease. Therefore, it has been classified as a Variant of Uncertain Significance. Algorithms developed to predict the effect of missense changes on protein structure and function are either unavailable or do not agree on the potential impact of this missense change (SIFT: "Deleterious"; PolyPhen-2: "Probably Damaging"; Align-GVGD: "Class C0"). This variant has not been reported in the literature in individuals affected with SACS-related conditions. This variant is not present in population databases (gnomAD no frequency). This sequence change replaces serine, a(n) neutral and polar amino acid, with cysteine, a(n) neutral and slightly polar amino acid, at codon 4429 of the SACS protein (p.Ser4429Cys).